The following continues an entry in ClinVar:

NM_000257.4(MYH7):c.2081G>A (p.Arg694His)

Gene: MYH7. ClinVar aggregate classification (germline): Pathogenic/Likely pathogenic. Pathogenic (5); Likely pathogenic (6).

Submissions 7 to 11 of 11:

All of Us Research Program, National Institutes of Health
Classification: Likely pathogenic for Hypertrophic cardiomyopathy. Last evaluated: 2024-06-09. Review status: criteria provided, single submitter. Criteria: ACMG Guidelines, 2015. Collection method: clinical testing. Allele origin: germline. Inheritance: Autosomal dominant inheritance. Observed: 2 variant alleles, 2 heterozygotes.
Comment: This missense variant replaces arginine with histidine at codon 694 of the MYH7 protein. Computational prediction suggests that this variant may have a deleterious impact on protein structure and function (internally defined REVEL score threshold >= 0.7, PMID: 27666373). This variant is found within a highly conserved region of the myosin head domain. Missense variants in this region have been shown to be significantly overrepresented in individuals with hypertrophic cardiomyopathy (PMID: 27532257). To our knowledge, functional studies have not been reported for this variant. This variant has been reported in individuals affected with hypertrophic cardiomyopathy (PMID: 12974739, 23197161, 25351510, 27532257, 28566242, 33495596). This variant has been shown mild, later-onset hypertrophic cardiomyopathy in a Chinese family (PMID: 20819418). This variant has been identified in 3/282754 chromosomes in the general population by the Genome Aggregation Database (gnomAD). A different missense variant occurring at the same codon, p.Arg694Cys, is considered to be disease-causing (ClinVar variation ID: 177627), indicating that arginine at this position is important for MYH7 protein function. Based on the available evidence, this variant is classified as Likely Pathogenic.

This study involves interpretation of variants in research participants for the purpose of population health screening. Participant phenotype was not available at the time of variant classification. Additional details can be found in publication PMID: 35346344, PMCID: PMC8962531

Color Diagnostics, LLC DBA Color Health
Classification: Likely pathogenic for Cardiomyopathy. Last evaluated: 2024-04-11. Review status: criteria provided, single submitter. Criteria: ACMG Guidelines, 2015. Collection method: clinical testing. Allele origin: germline.
Comment: This missense variant replaces arginine with histidine at codon 694 of the MYH7 protein. Computational prediction suggests that this variant may have a deleterious impact on protein structure and function. This variant is found within a highly conserved region of the myosin head domain. Missense variants in this region have been shown to be significantly overrepresented in individuals with hypertrophic cardiomyopathy (PMID: 27532257). To our knowledge, functional studies have not been reported for this variant. This variant has been reported in individuals affected with hypertrophic cardiomyopathy (PMID: 12974739, 23197161, 25351510, 27532257, 28566242, 33495596). This variant has been shown mild, later-onset hypertrophic cardiomyopathy in a Chinese family (PMID: 20819418). This variant has been identified in 3/282754 chromosomes in the general population by the Genome Aggregation Database (gnomAD). A different missense variant occurring at the same codon, p.Arg694Cys, is considered to be disease-causing (ClinVar variation ID: 177627), indicating that arginine at this position is important for MYH7 protein function. Based on the available evidence, this variant is classified as Likely Pathogenic.

Blueprint Genetics
Classification: Pathogenic for MYH7-related disorders. Last evaluated: 2023-09-29. Review status: criteria provided, single submitter. Criteria: ACMG Guidelines, 2015. Collection method: clinical testing. Allele origin: germline. Affected: yes. Observed: 4 variant alleles.

Victorian Clinical Genetics Services, Murdoch Childrens Research Institute
Classification: Likely pathogenic for Hypertrophic cardiomyopathy 1. Last evaluated: 2022-02-02. Review status: criteria provided, single submitter. Criteria: ACMG Guidelines, 2015. Collection method: clinical testing. Allele origin: germline. Affected: yes.
Comment: Based on the classification scheme VCGS_Germline_v1.3.4, this variant is classified as Likely pathogenic. Following criteria are met: 0105 - The mechanism of disease for this gene is not clearly established, however, missense variants have been proposed to act in a dominant negative manner (PMID: 24714796). (I) 0108 - This gene is associated with both recessive and dominant disease. Pathogenic variants in this gene are usually heterozygous, however a recessive inheritance pattern has been observed in severe cases (OMIM). (I) 0112 - The condition associated with this gene has incomplete penetrance (PMID: 29300372). (I) 0200 - Variant is predicted to result in a missense amino acid change from arginine to histidine. (I) 0251 - This variant is heterozygous. (I) 0302 - Variant is present in gnomAD (v3) <0.001 for a dominant condition (4 heterozygotes, 0 homozygotes). (SP) 0309 - An alternative amino acid change at the same position has been observed in gnomAD (v2) (p.(Arg695Cys): 5 heterozygotes, 0 homozygotes). (I) 0501 - Missense variant consistently predicted to be damaging by multiple in silico tools or highly conserved with a major amino acid change. (SP) 0602 - Variant is located in a hotspot region or cluster of pathogenic variants. This variant is located in the myosin head motor domain which has very little benign variation (Decipher, PMID: 29300372). (SP) 0704 - Another missense variant comparable to the one identified in this case has limited previous evidence for pathogenicity. The p.(Arg694Cys) comparable variant has been reported in individuals with Hypertrophic Cardiomyopathy (HCM) and unexplained limb-girdle weakness (ClinVar, PMIDs: 18533079, 24835277, 32528171). Additionally, the p.(Arg694Leu) variant has been reported once in a HCM family (PMID: 20819418). (SP) 0801 - This variant has strong previous evidence of pathogenicity in unrelated individuals. This variant has been reported in at least six individuals with HCM (ClinVar, PMIDs: 12974739, 24111713, 28566242, 27532257). (SP) 0905 - No published segregation evidence has been identified for this variant. (I) 1007 - No published functional evidence has been identified for this variant. (I) 1208 - Inheritance information for this variant is not currently available in this individual. (I) Legend: (SP) - Supporting pathogenic, (I) - Information, (SB) - Supporting benign

Fulgent Genetics
Classification: Pathogenic for MYH7-related skeletal myopathy; Myosin storage myopathy; Hypertrophic cardiomyopathy 1; Myopathy, myosin storage, autosomal recessive; Congenital myopathy 4A, autosomal dominant; Dilated cardiomyopathy 1S. Last evaluated: 2021-11-30. Review status: criteria provided, single submitter. Criteria: ACMG Guidelines, 2015. Collection method: clinical testing. Allele origin: unknown.

Literature cited by the submitters: PubMed 12974739 (cited by 6 submitters); PubMed 20819418 (cited by 5 submitters); PubMed 24111713 (cited by 3 submitters); PubMed 25351510 (cited by 3 submitters); PubMed 27532257 (cited by 5 submitters); PubMed 10563488 (cited by Ambry Genetics and 3billion); PubMed 22811549 (cited by Ambry Genetics); PubMed 23197161 (cited by 3 submitters); PubMed 28566242 (cited by 4 submitters); PubMed 31638223 (cited by Ambry Genetics); PubMed 32481709 (cited by Ambry Genetics); PubMed 33495597 (cited by Ambry Genetics); PubMed 34542152 (cited by Ambry Genetics); PubMed 35653365 (cited by Ambry Genetics); PubMed 33495596 (cited by All of Us Research Program, National Institutes of Health and Color Diagnostics, LLC DBA Color Health); PubMed 18533079 (cited by Victorian Clinical Genetics Services, Murdoch Childrens Research Institute); PubMed 24714796 (cited by Victorian Clinical Genetics Services, Murdoch Childrens Research Institute); PubMed 24835277 (cited by Victorian Clinical Genetics Services, Murdoch Childrens Research Institute); PubMed 29300372 (cited by Victorian Clinical Genetics Services, Murdoch Childrens Research Institute); PubMed 32528171 (cited by Victorian Clinical Genetics Services, Murdoch Childrens Research Institute).